The following is an entry in ClinVar:

ClinVar aggregate classification (germline): Likely pathogenic. Review status: criteria provided, multiple submitters, no conflicts (2 of 4 stars). 2 submissions from 2 submitters: Likely pathogenic (2). Last evaluated 2025-03-20.

Conditions:
VPS13A-related neurodegenerative disease. Also called: Choreoacanthocytosis; Chorea-acanthocytosis; VPS13A Disease; Choreaacanthocytosis; ACANTHOCYTOSIS WITH NEUROLOGIC DISORDER; LEVINE-CRITCHLEY SYNDROME. Identifiers: Orphanet 2388, MedGen C0393576, MONDO:0008695, OMIM 200150.

Submissions (2):

Natera, Inc.
Classification: Likely pathogenic for Choreaacanthocytosis. Last evaluated: 2025-03-20. Review status: criteria provided, single submitter. Criteria: Natera Variant Classification Schema (03/2026). Collection method: clinical testing. Allele origin: germline.
Comment: The c.3961-2A>G variant in VPS13A is a canonical splice acceptor site variant predicted to affect pre-mRNA splicing, which may result in an abnormal transcript and altered protein product. This variant is expected to result in nonsense mediated decay, truncation, or a dysfunctional protein product. This variant is rare in the general population with a frequency below the threshold expected for the associated phenotype(s). Given the available evidence, this variant is classified as Likely Pathogenic.

Labcorp Genetics (formerly Invitae), Labcorp
Classification: Likely pathogenic. Last evaluated: 2023-09-08. Review status: criteria provided, single submitter. Criteria: Invitae Variant Classification Sherloc (09022015). Collection method: clinical testing. Allele origin: germline.
Comment: In summary, the currently available evidence indicates that the variant is pathogenic, but additional data are needed to prove that conclusively. Therefore, this variant has been classified as Likely Pathogenic. Algorithms developed to predict the effect of sequence changes on RNA splicing suggest that this variant may disrupt the consensus splice site. ClinVar contains an entry for this variant (Variation ID: 1520944). This variant has not been reported in the literature in individuals affected with VPS13A-related conditions. This variant is not present in population databases (gnomAD no frequency). This sequence change affects an acceptor splice site in intron 34 of the VPS13A gene. It is expected to disrupt RNA splicing. Variants that disrupt the donor or acceptor splice site typically lead to a loss of protein function (PMID: 16199547), and loss-of-function variants in VPS13A are known to be pathogenic (PMID: 12404112, 21598378).

Literature cited by the submitters: PubMed 16199547 (cited by Labcorp Genetics (formerly Invitae), Labcorp); PubMed 12404112 (cited by Labcorp Genetics (formerly Invitae), Labcorp); PubMed 21598378 (cited by Labcorp Genetics (formerly Invitae), Labcorp).

NM_033305.3(VPS13A):c.3961-2A>G

Gene: VPS13A (vacuolar protein sorting 13 homolog A; plus strand). Cytogenetic location: 9q21.2.
Variant type: single nucleotide variant.
Coding change: c.3961-2A>G on transcript NM_033305.3 (MANE Select); the canonical splice acceptor site of the intron before coding-DNA position 3961, A replaced by G.
Molecular consequence: splice acceptor variant.
Genome position (GRCh38, 1-based): chr9:77,307,943, A>G. VCF-style: chr9-77307943-A-G. GRCh37 (hg19) VCF-style: chr9-79922859-A-G.
Other names: c.3844-2A>G (NM_001018037.2); c.3961-2A>G (NM_015186.4, NM_001018038.3, NM_033305.2).
Identifiers: ClinVar variation 1520944 (VCV001520944.9), dbSNP rs1244139989, ClinGen allele CA373853142.